The following is an entry in ClinVar:

NM_000350.3(ABCA4):c.2489A>G (p.Glu830Gly)

Gene: ABCA4 (ATP binding cassette subfamily A member 4; minus strand). Cytogenetic location: 1p22.1.
Variant type: single nucleotide variant.
Coding change: c.2489A>G on transcript NM_000350.3 (MANE Select); coding-DNA position 2489, A replaced by G.
Protein change: p.Glu830Gly; replaces glutamic acid 830 with glycine.
Molecular consequence: missense variant.
Genome position (GRCh38, 1-based): chr1:94,055,209, T>C on the plus strand (A>G on the coding strand, the complement: ABCA4 is on the minus strand). VCF-style: chr1-94055209-T-C. GRCh37 (hg19) VCF-style: chr1-94520765-T-C.
Other names: c.2267A>G, p.Glu756Gly (NM_001425324.1); short protein forms E830G, E756G.
Identifiers: ClinVar variation 1515887 (VCV001515887.4), dbSNP rs768241038, ClinGen allele CA958259.

ClinVar aggregate classification (germline): Uncertain significance. Review status: criteria provided, multiple submitters, no conflicts (2 of 4 stars). 2 submissions from 2 submitters: Uncertain significance (2). Last evaluated 2022-10-09.

Allele frequency attached by ClinVar (database versions not stated): gnomAD exomes below 0.00001; ExAC 0.00001; gnomAD 0.00001; TOPMed 0.00001.
gnomAD v4.1: 2 of 1,613,970 alleles (0.00012%); highest among the groups gnomAD compares: African/African-American, 0.0027%; no homozygotes.

Submissions (2):

Labcorp Genetics (formerly Invitae), Labcorp
Classification: Uncertain significance. Last evaluated: 2022-10-09. Review status: criteria provided, single submitter. Criteria: Invitae Variant Classification Sherloc (09022015). Collection method: clinical testing. Allele origin: germline.
Comment: This sequence change replaces glutamic acid, which is acidic and polar, with glycine, which is neutral and non-polar, at codon 830 of the ABCA4 protein (p.Glu830Gly). This variant is present in population databases (rs768241038, gnomAD 0.007%). This variant has not been reported in the literature in individuals affected with ABCA4-related conditions. ClinVar contains an entry for this variant (Variation ID: 1515887). Advanced modeling of protein sequence and biophysical properties (such as structural, functional, and spatial information, amino acid conservation, physicochemical variation, residue mobility, and thermodynamic stability) performed at Invitae indicates that this missense variant is expected to disrupt ABCA4 protein function. In summary, the available evidence is currently insufficient to determine the role of this variant in disease. Therefore, it has been classified as a Variant of Uncertain Significance.

Blueprint Genetics
Classification: Uncertain significance. Last evaluated: 2021-12-02. Review status: criteria provided, single submitter. Criteria: ACMG Guidelines, 2015. Collection method: clinical testing. Allele origin: germline.